The following is an entry in ClinVar:

ClinVar aggregate classification (germline): Benign. Review status: reviewed by expert panel (3 of 4 stars). 16 submissions from 16 submitters: Benign (1). 15 of the submissions do not count toward it. Last evaluated 2015-08-10.

Conditions:
Hereditary breast ovarian cancer syndrome. Also called: Breast and ovarian cancer; Hereditary breast and ovarian cancer; Hereditary breast and ovarian cancer syndrome; BRCA1- and BRCA2-Associated Hereditary Breast and Ovarian Cancer; Hereditary breast and ovarian cancer syndrome (HBOC); Hereditary breast and/or ovarian cancer syndrome. Identifiers: Orphanet 145, MedGen C0677776, MeSH D061325, MONDO:0003582. Disease mechanism: loss of function.
Hereditary cancer-predisposing syndrome. Also called: Tumor predisposition; Hereditary Cancer Syndrome; Neoplastic Syndromes, Hereditary; Hereditary neoplastic syndrome. Identifiers: Orphanet 140162, MedGen C0027672, MeSH D009386, MONDO:0015356.
Breast-ovarian cancer, familial, susceptibility to, 2 (BROVCA2). Also called: BRCA2 Hereditary Breast and Ovarian Cancer. Identifiers: Orphanet 145, MedGen C2675520, MONDO:0012933, OMIM 612555. Disease mechanism: loss of function.

Allele frequency attached by ClinVar (database versions not stated): gnomAD exomes 0.00001 and 0.00003; ExAC 0.00002; TOPMed 0.00002; gnomAD 0.00005 and 0.00006; ESP Exome Variant Server 0.00008.
gnomAD v4.1: 21 of 1,613,910 alleles (0.0013%); highest among the groups gnomAD compares: East Asian, 0.0022%; no homozygotes.

Submissions (16):

Evidence-based Network for the Interpretation of Germline Mutant Alleles (ENIGMA)
Classification: Benign for Breast-ovarian cancer, familial 2. Last evaluated: 2015-08-10. Review status: reviewed by expert panel. Criteria: ENIGMA BRCA1/2 Classification Criteria (2015). Collection method: curation. Allele origin: germline.
Comment: IARC class based on posterior probability from multifactorial likelihood analysis, thresholds for class as per Plon et al. 2008 (PMID: 18951446). Class 1 based on posterior probability = 0.0000248

Labcorp Genetics (formerly Invitae), Labcorp
Classification: Likely benign for Hereditary breast ovarian cancer syndrome. Last evaluated: 2026-01-31. Review status: criteria provided, single submitter. Criteria: Invitae Variant Classification Sherloc (09022015). Collection method: clinical testing. Allele origin: germline. Not counted in ClinVar's aggregate classification.

Women's Health and Genetics/Laboratory Corporation of America, LabCorp
Classification: Likely benign. Last evaluated: 2025-10-31. Review status: criteria provided, single submitter. Criteria: LabCorp Variant Classification Summary - May 2015. Collection method: clinical testing. Allele origin: germline. Not counted in ClinVar's aggregate classification.
Comment: Variant summary: BRCA2 c.8662C>T (p.Arg2888Cys) results in a non-conservative amino acid change in the encoded protein sequence. Algorithms developed to predict the effect of missense changes on protein structure and function are either unavailable or do not agree on the potential impact of this missense change. The variant allele was found at a frequency of 2.8e-05 in 251324 control chromosomes. The available data on variant occurrences in the general population are insufficient to allow any conclusion about variant significance. c.8662C>T has been reported in the literature in families/individuals affected with breast and/or ovarian cancer as well as unaffected controls (van der Hout_2006, Easton_2007, Gomez Garcia_2008, Brandao_2011, Dorling_2021). These reports do not provide unequivocal conclusions about association of the variant with Hereditary Breast And Ovarian Cancer Syndrome. Co-occurrences with other pathogenic variant(s) have been reported (e.g. BRCA2 c.5350_5351del, p.Asn1784fs), providing supporting evidence for a benign role. Publications report experimental evidence evaluating an impact on protein function, including on homology directed repair (HDR) activity (Brandao_2011, Guidugli_2018, Mesman_2019, Richardson_2021, Hart_2018). These results showed no damaging effect of this variant, and HDR assays qualify as a recognized gold standard on the basis of updated guidance provided by the ClinGen Sequence Variant Interpretation (SVI) working group. Systematic genetic assessment and multifactorial probability modeling has also suggested the variant to have a high odds of neutrality and low odds of pathogenicity (Easton_2007, Lindor_2012). ClinVar contains an entry for this variant (Variation ID: 91732). Based on the evidence outlined above, the variant was classified as likely benign.

Mayo Clinic Laboratories, Mayo Clinic
Classification: Benign. Last evaluated: 2025-08-08. Review status: criteria provided, single submitter. Criteria: ACMG Guidelines, 2015. Collection method: clinical testing. Allele origin: germline. Observed: 1 variant allele. Not counted in ClinVar's aggregate classification.
Comment: BS1_supporting, BP4, BP5_very_strong

Center for Genomic Medicine, Rigshospitalet, Copenhagen University Hospital
Classification: Benign. Last evaluated: 2025-03-04. Review status: criteria provided, single submitter. Criteria: ACMG Guidelines, 2015. Collection method: clinical testing. Allele origin: germline. Not counted in ClinVar's aggregate classification.

ARUP Laboratories, Molecular Genetics and Genomics, ARUP Laboratories
Classification: Likely benign. Last evaluated: 2019-11-19. Review status: criteria provided, single submitter. Criteria: ARUP Molecular Germline Variant Investigation Process. Collection method: clinical testing. Allele origin: germline. Not counted in ClinVar's aggregate classification.

GeneDx
Classification: Likely benign. Last evaluated: 2019-03-07. Review status: criteria provided, single submitter. Criteria: GeneDx Variant Classification Process June 2021. Collection method: clinical testing. Allele origin: germline. Affected: yes. Not counted in ClinVar's aggregate classification.
Comment: This variant is associated with the following publications: (PMID: 21990134, 16683254, 19200354, 21638052, 21673748, 24323938, 19043619, 29988080, 29394989, 29884841, 17924331)

Clinical Genetics DNA and cytogenetics Diagnostics Lab, Erasmus MC, Erasmus Medical Center
Classification: Benign for Breast-ovarian cancer, familial, susceptibility to, 2. Last evaluated: 2015-09-21. Review status: criteria provided, single submitter. Criteria: ACGS Guidelines, 2013. Collection method: clinical testing. Allele origin: germline. Affected: yes. Study: VKGL Data-share Consensus. Not counted in ClinVar's aggregate classification.

Color Diagnostics, LLC DBA Color Health
Classification: Benign for Hereditary cancer-predisposing syndrome. Last evaluated: 2015-09-09. Review status: criteria provided, single submitter. Criteria: ACMG Guidelines, 2015. Collection method: clinical testing. Allele origin: germline. Not counted in ClinVar's aggregate classification.

Ambry Genetics
Classification: Benign for Hereditary cancer-predisposing syndrome. Last evaluated: 2014-11-19. Review status: criteria provided, single submitter. Criteria: Ambry Variant Classification Scheme 2023. Collection method: clinical testing. Allele origin: germline. Not counted in ClinVar's aggregate classification.

Sharing Clinical Reports Project (SCRP)
Classification: Likely benign for Breast-ovarian cancer, familial 2. Last evaluated: 2009-10-05. Review status: no assertion criteria provided. Collection method: clinical testing. Allele origin: germline. Not counted in ClinVar's aggregate classification.

Breast Cancer Information Core (BIC) (BRCA2)
Classification: Uncertain significance for Breast-ovarian cancer, familial 2. Last evaluated: 2002-05-29. Review status: no assertion criteria provided. Collection method: clinical testing. Allele origin: germline. Affected: yes. Observed: 4 variant alleles. Not counted in ClinVar's aggregate classification.

Clinical Genetics Laboratory, Department of Pathology, Netherlands Cancer Institute
Classification: Benign. Review status: no assertion criteria provided. Collection method: clinical testing. Allele origin: germline. Affected: yes. Study: VKGL Data-share Consensus. Not counted in ClinVar's aggregate classification.

Genome Diagnostics Laboratory, University Medical Center Utrecht
Classification: Likely benign. Review status: no assertion criteria provided. Collection method: clinical testing. Allele origin: germline. Affected: yes. Study: VKGL Data-share Consensus. Not counted in ClinVar's aggregate classification.

Joint Genome Diagnostic Labs from Nijmegen and Maastricht, Radboudumc and MUMC+
Classification: Benign. Review status: no assertion criteria provided. Collection method: clinical testing. Allele origin: germline. Affected: yes. Study: VKGL Data-share Consensus. Not counted in ClinVar's aggregate classification.

Laboratory of Diagnostic Genome Analysis, Leiden University Medical Center (LUMC)
Classification: Likely benign. Review status: no assertion criteria provided. Collection method: clinical testing. Allele origin: germline. Affected: yes. Study: VKGL Data-share Consensus. Not counted in ClinVar's aggregate classification.

Literature cited by the submitters: PubMed 21990134 (cited by Evidence-based Network for the Interpretation of Germline Mutant Alleles (ENIGMA) and Women's Health and Genetics/Laboratory Corporation of America, LabCorp); PubMed 19200354 (cited by Women's Health and Genetics/Laboratory Corporation of America, LabCorp); PubMed 17924331 (cited by Women's Health and Genetics/Laboratory Corporation of America, LabCorp); PubMed 19043619 (cited by Women's Health and Genetics/Laboratory Corporation of America, LabCorp); PubMed 24323938 (cited by Women's Health and Genetics/Laboratory Corporation of America, LabCorp); PubMed 23231788 (cited by Women's Health and Genetics/Laboratory Corporation of America, LabCorp); PubMed 21673748 (cited by Women's Health and Genetics/Laboratory Corporation of America, LabCorp); PubMed 16683254 (cited by Women's Health and Genetics/Laboratory Corporation of America, LabCorp); PubMed 21638052 (cited by Women's Health and Genetics/Laboratory Corporation of America, LabCorp); PubMed 29580235 (cited by Women's Health and Genetics/Laboratory Corporation of America, LabCorp); PubMed 29988080 (cited by Women's Health and Genetics/Laboratory Corporation of America, LabCorp); PubMed 29884841 (cited by Women's Health and Genetics/Laboratory Corporation of America, LabCorp); PubMed 29394989 (cited by Women's Health and Genetics/Laboratory Corporation of America, LabCorp); PubMed 33471991 (cited by Women's Health and Genetics/Laboratory Corporation of America, LabCorp); PubMed 33609447 (cited by Women's Health and Genetics/Laboratory Corporation of America, LabCorp); PubMed 33978741 (cited by Women's Health and Genetics/Laboratory Corporation of America, LabCorp); PubMed 35736817 (cited by Women's Health and Genetics/Laboratory Corporation of America, LabCorp); PubMed 37922907 (cited by Women's Health and Genetics/Laboratory Corporation of America, LabCorp); PubMed 34045478 (cited by Women's Health and Genetics/Laboratory Corporation of America, LabCorp); PubMed 33503928 (cited by Women's Health and Genetics/Laboratory Corporation of America, LabCorp); PubMed 37901334 (cited by Women's Health and Genetics/Laboratory Corporation of America, LabCorp).

NM_000059.4(BRCA2):c.8662C>T (p.Arg2888Cys)

Gene: BRCA2 (BRCA2 DNA repair associated; plus strand). Cytogenetic location: 13q13.1.
Variant type: single nucleotide variant.
Coding change: c.8662C>T on transcript NM_000059.4 (MANE Select); coding-DNA position 8662, C replaced by T.
Protein change: p.Arg2888Cys; replaces arginine 2888 with cysteine.
Molecular consequence: missense variant.
Genome position (GRCh38, 1-based): chr13:32,376,699, C>T. VCF-style: chr13-32376699-C-T. GRCh37 (hg19) VCF-style: chr13-32950836-C-T.
Other names: p.Arg2888Cys; 8890C>T; short protein forms R2888C.
Identifiers: ClinVar variation 91732 (VCV000091732.37), dbSNP rs80359123, ClinGen allele CA025767.
Genomic context (GRCh38, chr13:32,376,699, plus strand): 5'-TAGTGAATTAATAATCCTTTTGTTTTCTTAGAAAACACAACAAAACCATATTTACCATCA[C>T]GTGCACTAACAAGACAGCAAGTTCGTGCTTTGCAAGATGGTGCAGAGCTTTATGAAGCAG-3'
Protein context (NP_000050.3, residues 2878-2898): ENTTKPYLPS[Arg2888Cys]ALTRQQVRAL